The following is an entry in ClinVar:

NM_001035.3(RYR2):c.6592C>T (p.Arg2198Cys)

Gene: RYR2 (ryanodine receptor 2; plus strand). Cytogenetic location: 1q43.
Variant type: single nucleotide variant.
Coding change: c.6592C>T on transcript NM_001035.3 (MANE Select); coding-DNA position 6592, C replaced by T.
Protein change: p.Arg2198Cys; replaces arginine 2198 with cysteine.
Molecular consequence: missense variant.
Genome position (GRCh38, 1-based): chr1:237,633,614, C>T. VCF-style: chr1-237633614-C-T. GRCh37 (hg19) VCF-style: chr1-237796914-C-T.
Other names: short protein forms R2198C.
Identifiers: ClinVar variation 3315883 (VCV003315883.7).
Genomic context (GRCh38, chr1:237,633,614, plus strand): 5'-GCTAATGACATGCTTTATCTGTAGGAAATCACCTTTCCCAAGATGGTGGCCAACTGTTGC[C>T]GTTTTCTCTGTTACTTCTGTCGTATAAGTAGGCAGAATCAAAAAGCTATGTTTGATCATC-3'
Protein context (NP_001026.2, residues 2188-2208): TFPKMVANCC[Arg2198Cys]FLCYFCRISR

ClinVar aggregate classification (germline): Uncertain significance. Review status: criteria provided, multiple submitters, no conflicts (2 of 4 stars). 3 submissions from 3 submitters: Uncertain significance (3). Last evaluated 2026-03-01.

Conditions:
Cardiovascular phenotype. Identifiers: MedGen CN230736.
Catecholaminergic polymorphic ventricular tachycardia 1. Also called: VENTRICULAR TACHYCARDIA, CATECHOLAMINERGIC POLYMORPHIC, 1, WITH OR WITHOUT ATRIAL DYSFUNCTION AND/OR DILATED CARDIOMYOPATHY; RYR2-Related Catecholaminergic Polymorphic Ventricular Tachycardia; VENTRICULAR TACHYCARDIA, STRESS-INDUCED POLYMORPHIC 1. Identifiers: Orphanet 3286, MedGen C1631597, MONDO:0011484, OMIM 604772.

Submissions (3):

CeGaT Center for Human Genetics Tuebingen
Classification: Uncertain significance. Last evaluated: 2026-03-01. Review status: criteria provided, single submitter. Criteria: CeGaT Center For Human Genetics Tuebingen Variant Classification Criteria Version 2. Collection method: clinical testing. Allele origin: germline. Affected: yes. Observed: 1 variant allele.
Comment: RYR2: PM2, PP2, PP3

Labcorp Genetics (formerly Invitae), Labcorp
Classification: Uncertain significance for Catecholaminergic polymorphic ventricular tachycardia 1. Last evaluated: 2024-09-02. Review status: criteria provided, single submitter. Criteria: Invitae Variant Classification Sherloc (09022015). Collection method: clinical testing. Allele origin: germline.
Comment: This sequence change replaces arginine, which is basic and polar, with cysteine, which is neutral and slightly polar, at codon 2198 of the RYR2 protein (p.Arg2198Cys). This variant is not present in population databases (gnomAD no frequency). This variant has not been reported in the literature in individuals affected with RYR2-related conditions. Invitae Evidence Modeling of protein sequence and biophysical properties (such as structural, functional, and spatial information, amino acid conservation, physicochemical variation, residue mobility, and thermodynamic stability) indicates that this missense variant is expected to disrupt RYR2 protein function with a positive predictive value of 95%. In summary, the available evidence is currently insufficient to determine the role of this variant in disease. Therefore, it has been classified as a Variant of Uncertain Significance.

Ambry Genetics
Classification: Uncertain significance for Cardiovascular phenotype. Last evaluated: 2024-04-06. Review status: criteria provided, single submitter. Criteria: Ambry Variant Classification Scheme 2023. Collection method: clinical testing. Allele origin: germline.
Comment: The p.R2198C variant (also known as c.6592C>T), located in coding exon 43 of the RYR2 gene, results from a C to T substitution at nucleotide position 6592. The arginine at codon 2198 is replaced by cysteine, an amino acid with highly dissimilar properties. This amino acid position is highly conserved in available vertebrate species. In addition, this alteration is predicted to be deleterious by in silico analysis. Based on the available evidence, the clinical significance of this variant remains unclear.